The following is an entry in ClinVar:

NM_001352514.2(HLCS):c.2353G>A (p.Ala785Thr)

Gene: HLCS (holocarboxylase synthetase; minus strand). Cytogenetic location: 21q22.13.
Variant type: single nucleotide variant.
Coding change: c.2353G>A on transcript NM_001352514.2 (MANE Select); coding-DNA position 2353, G replaced by A.
Protein change: p.Ala785Thr; replaces alanine 785 with threonine.
Molecular consequence: missense variant. On other transcripts: non-coding transcript variant (2).
Genome position (GRCh38, 1-based): chr21:36,756,639, C>T on the plus strand (G>A on the coding strand, the complement: HLCS is on the minus strand). VCF-style: chr21-36756639-C-T. GRCh37 (hg19) VCF-style: chr21-38128940-C-T.
Other names: c.1912G>A, p.Ala638Thr (NM_000411.8, NM_001242784.3, NM_001242785.2 and 4 more transcripts); short protein forms A785T, A638T.
Identifiers: ClinVar variation 3719135 (VCV003719135.2).

ClinVar aggregate classification (germline): Conflicting classifications of pathogenicity. Review status: criteria provided, conflicting classifications (1 of 4 stars). 2 submissions from 2 submitters: Pathogenic (1); Uncertain significance (1). Last evaluated 2026-02-18.

Conditions:
Holocarboxylase synthetase deficiency. Also called: MULTIPLE CARBOXYLASE DEFICIENCY, EARLY ONSET. Identifiers: Orphanet 79242, MedGen C0268581, MONDO:0009666, OMIM 253270.

Submissions (2):

Stanford Starfish Project, Stanford University
Classification: Pathogenic for Holocarboxylase synthetase deficiency. Last evaluated: 2026-02-18. Review status: criteria provided, single submitter. Criteria: ACMG Guidelines, 2015. Collection method: provider interpretation. Allele origin: paternal. Inheritance: Autosomal recessive inheritance. Affected: yes. Observed: 1 compound heterozygote.
Comment: This variant is predicted to result in the substitution of alanine by threonine at amino acid 638 (p.Ala638Thr). This variant is not present in large population databases. See Observation 1 for details on clinical features. Variant confirmed to be in trans with likely pathogenic HLCS variant (c.652G>T, p.Val218Phe).

Labcorp Genetics (formerly Invitae), Labcorp
Classification: Uncertain significance for Holocarboxylase synthetase deficiency. Last evaluated: 2025-09-02. Review status: criteria provided, single submitter. Criteria: Invitae Variant Classification Sherloc (09022015). Collection method: clinical testing. Allele origin: germline.
Comment: This sequence change replaces alanine, which is neutral and non-polar, with threonine, which is neutral and polar, at codon 638 of the HLCS protein (p.Ala638Thr). This variant is not present in population databases (gnomAD no frequency). This variant has not been reported in the literature in individuals affected with HLCS-related conditions. ClinVar contains an entry for this variant (Variation ID: 3719135). Invitae Evidence Modeling of protein sequence and biophysical properties (such as structural, functional, and spatial information, amino acid conservation, physicochemical variation, residue mobility, and thermodynamic stability) indicates that this missense variant is expected to disrupt HLCS protein function with a positive predictive value of 95%. In summary, the available evidence is currently insufficient to determine the role of this variant in disease. Therefore, it has been classified as a Variant of Uncertain Significance.